The following is an entry in ClinVar:

ClinVar aggregate classification (germline): Uncertain significance. Review status: criteria provided, multiple submitters, no conflicts (2 of 4 stars). 2 submissions from 2 submitters: Uncertain significance (2). Last evaluated 2025-04-13.

gnomAD v4.1: 5 of 1,613,642 alleles (0.00031%); highest among the groups gnomAD compares: Admixed American, 0.0033%; no homozygotes.

Submissions (2):

Labcorp Genetics (formerly Invitae), Labcorp
Classification: Uncertain significance. Last evaluated: 2025-04-13. Review status: criteria provided, single submitter. Criteria: Invitae Variant Classification Sherloc (09022015). Collection method: clinical testing. Allele origin: germline.
Comment: This sequence change replaces glutamine, which is neutral and polar, with arginine, which is basic and polar, at codon 470 of the NFKB1 protein (p.Gln470Arg). This variant is present in population databases (no rsID available, gnomAD 0.003%). This variant has not been reported in the literature in individuals affected with NFKB1-related conditions. ClinVar contains an entry for this variant (Variation ID: 3341875). An algorithm developed to predict the effect of missense changes on protein structure and function (PolyPhen-2) suggests that this variant is likely to be tolerated. In summary, the available evidence is currently insufficient to determine the role of this variant in disease. Therefore, it has been classified as a Variant of Uncertain Significance.

CeGaT Center for Human Genetics Tuebingen
Classification: Uncertain significance. Last evaluated: 2024-11-01. Review status: criteria provided, single submitter. Criteria: CeGaT Center For Human Genetics Tuebingen Variant Classification Criteria Version 2. Collection method: clinical testing. Allele origin: germline. Affected: yes. Observed: 1 variant allele.
Comment: NFKB1: PM2, BP4

NM_003998.4(NFKB1):c.1409A>G (p.Gln470Arg)

Gene: NFKB1 (nuclear factor kappa B subunit 1; plus strand). Cytogenetic location: 4q24.
Variant type: single nucleotide variant.
Coding change: c.1409A>G on transcript NM_003998.4 (MANE Select); coding-DNA position 1409, A replaced by G.
Protein change: p.Gln470Arg; replaces glutamine 470 with arginine.
Molecular consequence: missense variant.
Genome position (GRCh38, 1-based): chr4:102,596,246, A>G. VCF-style: chr4-102596246-A-G. GRCh37 (hg19) VCF-style: chr4-103517403-A-G.
Other names: c.1409A>G, p.Gln470Arg (NM_001382626.1, NM_001382625.1); c.1406A>G, p.Gln469Arg (NM_001382627.1, NM_001165412.2, NM_001319226.2); c.1367A>G, p.Gln456Arg (NM_001382628.1); short protein forms Q456R, Q469R, Q470R.
Identifiers: ClinVar variation 3341875 (VCV003341875.17).
Genomic context (GRCh38, chr4:102,596,246, plus strand): 5'-GTGATGACAAAAACACTGTAAACCTCTTTGGGAAAGTTATTGAAACCACAGAGCAAGATC[A>G]GGAGCCCAGCGAGGCCACCGTTGGGAATGGTGAGGTCACTCTAACGTATGCAACAGGAAC-3'
Protein context (NP_003989.2, residues 460-480): GKVIETTEQD[Gln470Arg]EPSEATVGNG